The following is an entry in ClinVar:

ClinVar aggregate classification (germline): Uncertain significance. Review status: criteria provided, multiple submitters, no conflicts (2 of 4 stars). 3 submissions from 3 submitters: Uncertain significance (3). Last evaluated 2025-12-22.

Conditions:
Inborn genetic diseases. Identifiers: MedGen C0950123, MeSH D030342.
Inflammatory bowel disease 28. Also called: Inflammatory bowel disease 28, early onset, autosomal recessive. Identifiers: Orphanet 238569, MedGen C2751053, MONDO:0013153, OMIM 613148.

Allele frequency attached by ClinVar (database versions not stated): ExAC 0.00007; gnomAD 0.00001; gnomAD exomes 0.00003 and 0.00007; TOPMed 0.00002.
gnomAD v4.1: 48 of 1,614,172 alleles (0.003%); highest among the groups gnomAD compares: Middle Eastern, 0.017%; no homozygotes.

Submissions (3):

Ambry Genetics
Classification: Uncertain significance for Inborn genetic diseases. Last evaluated: 2025-12-22. Review status: criteria provided, single submitter. Criteria: Ambry Variant Classification Scheme 2023. Collection method: clinical testing. Allele origin: germline.

Labcorp Genetics (formerly Invitae), Labcorp
Classification: Uncertain significance for Inflammatory bowel disease 28. Last evaluated: 2024-05-29. Review status: criteria provided, single submitter. Criteria: Invitae Variant Classification Sherloc (09022015). Collection method: clinical testing. Allele origin: germline.
Comment: This sequence change replaces proline, which is neutral and non-polar, with leucine, which is neutral and non-polar, at codon 27 of the IL10RA protein (p.Pro27Leu). This variant is present in population databases (rs755758777, gnomAD 0.02%). This variant has not been reported in the literature in individuals affected with IL10RA-related conditions. ClinVar contains an entry for this variant (Variation ID: 302535). Algorithms developed to predict the effect of missense changes on protein structure and function output the following: SIFT: "Not Available"; PolyPhen-2: "Possibly Damaging"; Align-GVGD: "Not Available". The leucine amino acid residue is found in multiple mammalian species, which suggests that this missense change does not adversely affect protein function. In summary, the available evidence is currently insufficient to determine the role of this variant in disease. Therefore, it has been classified as a Variant of Uncertain Significance.

Illumina Laboratory Services, Illumina
Classification: Uncertain significance for Inflammatory bowel disease 28. Last evaluated: 2018-01-13. Review status: criteria provided, single submitter. Criteria: ICSL Variant Classification Criteria 13 December 2019. Collection method: clinical testing. Allele origin: germline.

NM_001558.4(IL10RA):c.80C>T (p.Pro27Leu)

Gene: IL10RA (interleukin 10 receptor subunit alpha; plus strand). Cytogenetic location: 11q23.3.
Variant type: single nucleotide variant.
Coding change: c.80C>T on transcript NM_001558.4 (MANE Select); coding-DNA position 80, C replaced by T.
Protein change: p.Pro27Leu; replaces proline 27 with leucine.
Molecular consequence: missense variant. On other transcripts: non-coding transcript variant (1).
Genome position (GRCh38, 1-based): chr11:117,988,394, C>T. VCF-style: chr11-117988394-C-T. GRCh37 (hg19) VCF-style: chr11-117859109-C-T.
Other names: short protein forms P27L.
Identifiers: ClinVar variation 302535 (VCV000302535.12), dbSNP rs755758777, ClinGen allele CA6298829.